The following is an entry in ClinVar:

NM_014239.4(EIF2B2):c.541G>T (p.Ala181Ser)

Gene: EIF2B2 (eukaryotic translation initiation factor 2B subunit beta; plus strand). Cytogenetic location: 14q24.3.
Variant type: single nucleotide variant.
Coding change: c.541G>T on transcript NM_014239.4 (MANE Select); coding-DNA position 541, G replaced by T.
Protein change: p.Ala181Ser; replaces alanine 181 with serine.
Molecular consequence: missense variant.
Genome position (GRCh38, 1-based): chr14:75,004,844, G>T. VCF-style: chr14-75004844-G-T. GRCh37 (hg19) VCF-style: chr14-75471547-G-T.
Other names: short protein forms A181S.
Identifiers: ClinVar variation 2070950 (VCV002070950.4), dbSNP rs746086054, ClinGen allele CA7274970.

ClinVar aggregate classification (germline): Uncertain significance (1 of 4 stars; one submission).

Allele frequency attached by ClinVar (database versions not stated): ExAC 0.00001; gnomAD 0.00001.

Submission:

Labcorp Genetics (formerly Invitae), Labcorp
Classification: Uncertain significance. Last evaluated: 2024-12-02. Review status: criteria provided, single submitter. Criteria: Invitae Variant Classification Sherloc (09022015). Collection method: clinical testing. Allele origin: germline.
Comment: This sequence change replaces alanine, which is neutral and non-polar, with serine, which is neutral and polar, at codon 181 of the EIF2B2 protein (p.Ala181Ser). This variant is present in population databases (rs746086054, gnomAD 0.01%). This variant has not been reported in the literature in individuals affected with EIF2B2-related conditions. ClinVar contains an entry for this variant (Variation ID: 2070950). Invitae Evidence Modeling of protein sequence and biophysical properties (such as structural, functional, and spatial information, amino acid conservation, physicochemical variation, residue mobility, and thermodynamic stability) has been performed for this missense variant. However, the output from this modeling did not meet the statistical confidence thresholds required to predict the impact of this variant on EIF2B2 protein function. In summary, the available evidence is currently insufficient to determine the role of this variant in disease. Therefore, it has been classified as a Variant of Uncertain Significance.